The following is an entry in ClinVar:

ClinVar aggregate classification (germline): Pathogenic (1 of 4 stars; one submission).

Conditions:
Duchenne muscular dystrophy (DMD). Also called: Duchenne Muscular Dystrophy (DMD); MUSCULAR DYSTROPHY, PSEUDOHYPERTROPHIC PROGRESSIVE, DUCHENNE TYPE. Identifiers: Orphanet 98896, MedGen C0013264, MONDO:0010679, OMIM 310200.

Submission:

Labcorp Genetics (formerly Invitae), Labcorp
Classification: Pathogenic for Duchenne muscular dystrophy. Last evaluated: 2022-08-09. Review status: criteria provided, single submitter. Criteria: Invitae Variant Classification Sherloc (09022015). Collection method: clinical testing. Allele origin: germline.
Comment: This variant is a gross deletion of the genomic region encompassing exon(s) 48-54 of the DMD gene. This deletion is out-of-frame, and is expected to create a premature termination codon and result in an absent or disrupted protein product. Loss-of-function variants in DMD are known to be pathogenic (PMID: 16770791, 25007885). A similar copy number variant has been observed in individuals with Duchenne muscular dystrophy (PMID: 31705731; Invitae). For these reasons, this variant has been classified as Pathogenic.

Literature cited by the submitters: PubMed 16770791; PubMed 25007885; PubMed 31705731.

NC_000023.10:g.(?_31676097)_(31893500_?)del

Gene: DMD (dystrophin; minus strand). Cytogenetic location: Xp21.1.
Variant type: Deletion.
Identifiers: ClinVar variation 2424839 (VCV002424839.4).